The following is an entry in ClinVar:

ClinVar aggregate classification (germline): Pathogenic (1 of 4 stars; one submission).

Conditions:
Episodic kinesigenic dyskinesia (EKD). Also called: Paroxysmal kinesigenic dyskinesia. Identifiers: Orphanet 98809, MedGen C1868682, MONDO:0044202.

Submission:

Labcorp Genetics (formerly Invitae), Labcorp
Classification: Pathogenic for Episodic kinesigenic dyskinesia. Last evaluated: 2025-08-18. Review status: criteria provided, single submitter. Criteria: Invitae Variant Classification Sherloc (09022015). Collection method: clinical testing. Allele origin: germline.
Comment: This sequence change replaces glycine, which is neutral and non-polar, with arginine, which is basic and polar, at codon 324 of the PRRT2 protein (p.Gly324Arg). This variant is not present in population databases (gnomAD no frequency). This missense change has been observed in individuals with PRRT2-related conditions (PMID: 23077026, 34356019). Invitae Evidence Modeling of protein sequence and biophysical properties (such as structural, functional, and spatial information, amino acid conservation, physicochemical variation, residue mobility, and thermodynamic stability) indicates that this missense variant is expected to disrupt PRRT2 protein function with a positive predictive value of 95%. Experimental studies have shown that this missense change affects PRRT2 function (PMID: 30980674, 31124310). This variant disrupts the p.Gly324 amino acid residue in PRRT2. Other variant(s) that disrupt this residue have been determined to be pathogenic (PMID: 23077026, 30980674). This suggests that this residue is clinically significant, and that variants that disrupt this residue are likely to be disease-causing. For these reasons, this variant has been classified as Pathogenic.

Literature cited by the submitters: PubMed 23077026; PubMed 34356019; PubMed 30980674; PubMed 31124310.

NM_145239.3(PRRT2):c.970G>C (p.Gly324Arg)

Genes: MVP-DT (MVP divergent transcript; minus strand), PRRT2 (proline rich transmembrane protein 2; plus strand). Cytogenetic location: 16p11.2.
Variant type: single nucleotide variant.
Coding change: c.970G>C on transcript NM_145239.3 (MANE Select); coding-DNA position 970, G replaced by C.
Protein change: p.Gly324Arg; replaces glycine 324 with arginine.
Molecular consequence: missense variant. On other transcripts: 3 prime UTR variant (2).
Genome position (GRCh38, 1-based): chr16:29,814,423, G>C. VCF-style: chr16-29814423-G-C. GRCh37 (hg19) VCF-style: chr16-29825744-G-C.
Other names: c.970G>C, p.Gly324Arg (NM_001256442.2, NM_001438120.1, NM_001438121.1); c.*469G>C (NM_001256443.2, NM_001438122.1); short protein forms G324R.
Identifiers: ClinVar variation 4802988 (VCV004802988.1).